The following is an entry in ClinVar:

ClinVar aggregate classification (germline): Conflicting classifications of pathogenicity. Review status: criteria provided, conflicting classifications (1 of 4 stars). 2 submissions from 2 submitters: Uncertain significance (1); Likely benign (1). Last evaluated 2025-06-02.

Conditions:
Kabuki syndrome. Also called: NIIKAWA-KUROKI SYNDROME; Kabuki make-up syndrome. Identifiers: Orphanet 2322, MedGen C0796004, MONDO:0016512.

Allele frequency attached by ClinVar (database versions not stated): ExAC 0.00001; gnomAD exomes 0.00001; TOPMed 0.00002; gnomAD 0.00003.
gnomAD v4.1: 24 of 1,610,826 alleles (0.0015%); highest among the groups gnomAD compares: Non-Finnish European, 0.002%; no homozygotes.

Submissions (2):

Labcorp Genetics (formerly Invitae), Labcorp
Classification: Likely benign for Kabuki syndrome. Last evaluated: 2025-06-02. Review status: criteria provided, single submitter. Criteria: Invitae Variant Classification Sherloc (09022015). Collection method: clinical testing. Allele origin: germline.

GeneDx
Classification: Uncertain significance. Last evaluated: 2024-03-11. Review status: criteria provided, single submitter. Criteria: GeneDx Variant Classification Process June 2021. Collection method: clinical testing. Allele origin: germline. Affected: yes.
Comment: In silico analysis supports that this missense variant has a deleterious effect on protein structure/function; Has not been previously published as pathogenic or benign to our knowledge

NM_003482.4(KMT2D):c.4639G>A (p.Ala1547Thr)

Gene: KMT2D (lysine methyltransferase 2D; minus strand). Cytogenetic location: 12q13.12.
Variant type: single nucleotide variant.
Coding change: c.4639G>A on transcript NM_003482.4 (MANE Select); coding-DNA position 4639, G replaced by A.
Protein change: p.Ala1547Thr; replaces alanine 1547 with threonine.
Molecular consequence: missense variant.
Genome position (GRCh38, 1-based): chr12:49,046,119, C>T on the plus strand (G>A on the coding strand, the complement: KMT2D is on the minus strand). VCF-style: chr12-49046119-C-T. GRCh37 (hg19) VCF-style: chr12-49439902-C-T.
Other names: short protein forms A1547T.
Identifiers: ClinVar variation 2180520 (VCV002180520.5), dbSNP rs761155455, ClinGen allele CA6547778.